The following is an entry in ClinVar:

ClinVar aggregate classification (germline): Conflicting classifications of pathogenicity. Review status: criteria provided, conflicting classifications (1 of 4 stars). 7 submissions from 6 submitters: Uncertain significance (2); Likely benign (4). 1 of the submissions does not count toward it. Last evaluated 2024-10-03.

Conditions:
RYR1-related disorder. Also called: RYR1-related disorders; RYR1-related condition. Identifiers: MedGen CN239331.
Congenital multicore myopathy with external ophthalmoplegia (CMYO1B). Also called: Minicore myopathy with external ophthalmoplegia; MULTIMINICORE DISEASE WITH EXTERNAL OPHTHALMOPLEGIA; MULTICORE MYOPATHY; Congenital myopathy 1B, autosomal recessive; Minicore myopathy. Identifiers: Orphanet 598, Orphanet 98905, MedGen C1850674, MONDO:0009712, OMIM 255320, HP:0003789.
Malignant hyperthermia, susceptibility to, 1 (MHS1). Also called: Anesthesia related hyperthermia; Malignant hyperpyrexia; Fulminating hyperpyrexia; Pharmacogenic myopathy; Malignant hyperthermia suceptibility 1; RYR1-Related Malignant Hyperthermia Susceptibility. Identifiers: Orphanet 423, MedGen C2930980, MONDO:0007783, OMIM 145600.

Allele frequency attached by ClinVar (database versions not stated): TOPMed below 0.00001; gnomAD exomes 0.00001 and 0.00008; ExAC 0.00002; gnomAD 0.00003; 1000 Genomes Project 30x 0.00031; 1000 Genomes Project 0.00040.
gnomAD v4.1: 117 of 1,614,120 alleles (0.0072%); highest among the groups gnomAD compares: East Asian, 0.26%; no homozygotes.

Submissions (7):

Labcorp Genetics (formerly Invitae), Labcorp
Classification: Likely benign for RYR1-related disorder. Last evaluated: 2024-10-03. Review status: criteria provided, single submitter. Criteria: Invitae Variant Classification Sherloc (09022015). Collection method: clinical testing. Allele origin: germline.

All of Us Research Program, National Institutes of Health
Classification: Likely benign for Malignant hyperthermia, susceptibility to, 1. Last evaluated: 2024-08-13. Review status: criteria provided, single submitter. Criteria: ACMG Guidelines, 2015. Collection method: clinical testing. Allele origin: germline. Inheritance: Autosomal dominant inheritance. Observed: 5 variant alleles, 5 heterozygotes.
Comment: This study involves interpretation of variants in research participants for the purpose of population health screening. Participant phenotype was not available at the time of variant classification. Additional details can be found in publication PMID: 35346344, PMCID: PMC8962531

Blueprint Genetics
Classification: Likely benign. Last evaluated: 2023-04-19. Review status: criteria provided, single submitter. Criteria: ACMG Guidelines, 2015. Collection method: clinical testing. Allele origin: germline.

Color Diagnostics, LLC DBA Color Health
Classification: Likely benign for Malignant hyperthermia, susceptibility to, 1. Last evaluated: 2022-12-07. Review status: criteria provided, single submitter. Criteria: ACMG Guidelines, 2015. Collection method: clinical testing. Allele origin: germline.

Illumina Laboratory Services, Illumina
Classification: Uncertain significance for Malignant hyperthermia, susceptibility to, 1. Last evaluated: 2018-01-13. Review status: criteria provided, single submitter. Criteria: ICSL Variant Classification Criteria 13 December 2019. Collection method: clinical testing. Allele origin: germline.

Illumina Laboratory Services, Illumina
Classification: Uncertain significance for Congenital multicore myopathy with external ophthalmoplegia. Last evaluated: 2018-01-13. Review status: criteria provided, single submitter. Criteria: ICSL Variant Classification Criteria 13 December 2019. Collection method: clinical testing. Allele origin: germline.

RYR1 database
No classification provided. Review status: no classification provided. Collection method: not provided. Allele origin: unknown. Not counted in ClinVar's aggregate classification.

NM_000540.3(RYR1):c.1218C>T (p.Thr406=)

Gene: RYR1 (ryanodine receptor 1; plus strand). Cytogenetic location: 19q13.2.
Variant type: single nucleotide variant.
Coding change: c.1218C>T on transcript NM_000540.3 (MANE Select); coding-DNA position 1218, C replaced by T.
Protein change: p.Thr406=; no amino-acid change (threonine 406 retained).
Molecular consequence: synonymous variant.
Genome position (GRCh38, 1-based): chr19:38,451,859, C>T. VCF-style: chr19-38451859-C-T. GRCh37 (hg19) VCF-style: chr19-38942499-C-T.
Other names: c.1218C>T, p.Thr406= (NM_001042723.2).
Identifiers: ClinVar variation 133034 (VCV000133034.19), dbSNP rs3745846, ClinGen allele CA023973.